The following is an entry in ClinVar:

NM_000287.4(PEX6):c.410G>A (p.Arg137Gln)

Gene: PEX6 (peroxisomal biogenesis factor 6; minus strand). Cytogenetic location: 6p21.1.
Variant type: single nucleotide variant.
Coding change: c.410G>A on transcript NM_000287.4 (MANE Select); coding-DNA position 410, G replaced by A.
Protein change: p.Arg137Gln; replaces arginine 137 with glutamine.
Molecular consequence: missense variant. On other transcripts: non-coding transcript variant (1).
Genome position (GRCh38, 1-based): chr6:42,978,741, C>T on the plus strand (G>A on the coding strand, the complement: PEX6 is on the minus strand). VCF-style: chr6-42978741-C-T. GRCh37 (hg19) VCF-style: chr6-42946479-C-T.
Other names: c.410G>A, p.Arg137Gln (NM_001316313.2); short protein forms R137Q.
Identifiers: ClinVar variation 1062210 (VCV001062210.7), dbSNP rs1254025750, ClinGen allele CA364165780.
Genomic context (GRCh38, chr6:42,978,741, plus strand): 5'-ACAGCCAGCCGAGTCCCTGGGCCCAGCAGCCCTTGCAACGCCGGCCGCGTCTCCAGCACC[C>T]GCGGTCCGGGCACTGGGAGGGTCTCTCCGCGCCTCACCAGCAGCGGCCCGACTCGCGGTC-3'
Protein context (NP_000278.3, residues 127-147): RGETLPVPGP[Arg137Gln]VLETRPALQG

ClinVar aggregate classification (germline): Uncertain significance. Review status: criteria provided, single submitter (1 of 4 stars). 2 submissions from 2 submitters: Uncertain significance (1). 1 of the submissions does not count toward it. Last evaluated 2021-09-01.

Conditions:
Zellweger spectrum disorders (ZS). Also called: Zellweger Spectrum Disorder; Zellweger Spectrum; Zellweger Spectrum Disorder (ZSD); Zellweger syndrome. Identifiers: Orphanet 912, MedGen C0043459, MONDO:0019609.
Peroxisome biogenesis disorder. Identifiers: Orphanet 79189, MedGen C1832200, MONDO:0019234. Disease mechanism: loss of function.

Allele frequency attached by ClinVar (database versions not stated): gnomAD 0.00001; gnomAD exomes 0.00001; TOPMed 0.00001.
gnomAD v4.1: 13 of 1,536,802 alleles (0.00085%); highest among the groups gnomAD compares: East Asian, 0.027%; no homozygotes.

Submissions (2):

Labcorp Genetics (formerly Invitae), Labcorp
Classification: Uncertain significance for Peroxisome biogenesis disorder. Last evaluated: 2021-09-01. Review status: criteria provided, single submitter. Criteria: Invitae Variant Classification Sherloc (09022015). Collection method: clinical testing. Allele origin: germline.
Comment: This sequence change replaces arginine with glutamine at codon 137 of the PEX6 protein (p.Arg137Gln). The arginine residue is weakly conserved and there is a small physicochemical difference between arginine and glutamine. The frequency data for this variant in the population databases is considered unreliable, as metrics indicate insufficient coverage at this position in the ExAC database. This variant has not been reported in the literature in individuals affected with PEX6-related conditions. Algorithms developed to predict the effect of missense changes on protein structure and function (SIFT, PolyPhen-2, Align-GVGD) all suggest that this variant is likely to be tolerated. Algorithms developed to predict the effect of sequence changes on RNA splicing suggest that this variant may create or strengthen a splice site. In summary, the available evidence is currently insufficient to determine the role of this variant in disease. Therefore, it has been classified as a Variant of Uncertain Significance.

Natera, Inc.
Classification: Uncertain significance for Zellweger syndrome. Last evaluated: 2021-10-16. Review status: no assertion criteria provided. Collection method: clinical testing. Allele origin: germline. Not counted in ClinVar's aggregate classification.